The following is an entry in ClinVar:

NM_031475.3(ESPN):c.800C>T (p.Ser267Leu)

Gene: ESPN (espin; plus strand). Cytogenetic location: 1p36.31.
Variant type: single nucleotide variant.
Coding change: c.800C>T on transcript NM_031475.3 (MANE Select); coding-DNA position 800, C replaced by T.
Protein change: p.Ser267Leu; replaces serine 267 with leucine.
Molecular consequence: missense variant.
Genome position (GRCh38, 1-based): chr1:6,440,750, C>T. VCF-style: chr1-6440750-C-T. GRCh37 (hg19) VCF-style: chr1-6500810-C-T.
Other names: c.800C>T, p.Ser267Leu (NM_001367473.1, NM_001367474.1); short protein forms S267L.
Identifiers: ClinVar variation 1304209 (VCV001304209.2), dbSNP rs913527372, ClinGen allele CA17203148.

ClinVar aggregate classification (germline): Uncertain significance (1 of 4 stars; one submission).

Allele frequency attached by ClinVar (database versions not stated): gnomAD exomes below 0.00001; TOPMed 0.00001.

Submission:

GeneDx
Classification: Uncertain significance. Last evaluated: 2019-12-04. Review status: criteria provided, single submitter. Criteria: GeneDx Variant Classification Process June 2021. Collection method: clinical testing. Allele origin: germline. Affected: yes.
Comment: In silico analysis, which includes protein predictors and evolutionary conservation, supports that this variant does not alter protein structure/function; Has not been previously published as pathogenic or benign to our knowledge